The following is an entry in ClinVar:

NM_001128228.3(TPRN):c.206G>A (p.Arg69Gln)

Genes: TPRN (taperin; minus strand), LOC130003093 (ATAC-STARR-seq lymphoblastoid silent region 20590; plus strand). Cytogenetic location: 9q34.3.
Variant type: single nucleotide variant.
Coding change: c.206G>A on transcript NM_001128228.3 (MANE Select); coding-DNA position 206, G replaced by A.
Protein change: p.Arg69Gln; replaces arginine 69 with glutamine.
Molecular consequence: missense variant.
Genome position (GRCh38, 1-based): chr9:137,200,506, C>T on the plus strand (G>A on the coding strand, the complement: TPRN is on the minus strand). VCF-style: chr9-137200506-C-T. GRCh37 (hg19) VCF-style: chr9-140094958-C-T.
Other names: short protein forms R69Q.
Identifiers: ClinVar variation 281645 (VCV000281645.10), dbSNP rs548415902, ClinGen allele CA5362892.
Genomic context (GRCh38, chr9:137,200,506, plus strand): 5'-ACGCCAGGCACGCGGCGGTACCGCTCCAGCAGCCGCGCCCCCGCCGCGCCCCCGCCGCGC[C>T]GCCGCTCGGCCTCCAGCAGCATGAACGGGTTCTCGCGCAGCGGGCCCAGGCTCTCGGCCA-3'
Protein context (NP_001121700.2, residues 59-79): NPFMLLEAER[Arg69Gln]RGGGAAGARL

ClinVar aggregate classification (germline): Conflicting classifications of pathogenicity. Review status: criteria provided, conflicting classifications (1 of 4 stars). 4 submissions from 4 submitters: Uncertain significance (2); Benign (1); Likely benign (1). Last evaluated 2024-10-07.

Allele frequency attached by ClinVar (database versions not stated): gnomAD exomes 0.00047 and 0.00052; ExAC 0.00158; 1000 Genomes Project 0.00419; 1000 Genomes Project 30x 0.00593; gnomAD 0.00617 and 0.00676; TOPMed 0.00648.

Submissions (4):

Blueprint Genetics
Classification: Likely benign. Last evaluated: 2024-10-07. Review status: criteria provided, single submitter. Criteria: ACMG Guidelines, 2015. Collection method: clinical testing. Allele origin: germline.

Labcorp Genetics (formerly Invitae), Labcorp
Classification: Uncertain significance. Last evaluated: 2022-09-07. Review status: criteria provided, single submitter. Criteria: Invitae Variant Classification Sherloc (09022015). Collection method: clinical testing. Allele origin: germline.
Comment: This sequence change replaces arginine, which is basic and polar, with glutamine, which is neutral and polar, at codon 69 of the TPRN protein (p.Arg69Gln). The frequency data for this variant in the population databases is considered unreliable, as metrics indicate poor data quality at this position in the gnomAD database. This variant has not been reported in the literature in individuals affected with TPRN-related conditions. ClinVar contains an entry for this variant (Variation ID: 281645). Algorithms developed to predict the effect of missense changes on protein structure and function are either unavailable or do not agree on the potential impact of this missense change (SIFT: "Deleterious"; PolyPhen-2: "Benign"; Align-GVGD: "Class C0"). In summary, the available evidence is currently insufficient to determine the role of this variant in disease. Therefore, it has been classified as a Variant of Uncertain Significance.

GeneDx
Classification: Benign. Last evaluated: 2019-08-20. Review status: criteria provided, single submitter. Criteria: GeneDx Variant Classification Process June 2021. Collection method: clinical testing. Allele origin: germline. Affected: yes.

Eurofins Ntd Llc (ga)
Classification: Uncertain significance. Last evaluated: 2015-07-09. Review status: criteria provided, single submitter. Criteria: EGL Classification Definitions 2015. Collection method: clinical testing. Allele origin: germline. Observed: 1 variant allele, 1 heterozygote.